The following is an entry in ClinVar:

ClinVar aggregate classification (germline): Likely benign. Review status: criteria provided, multiple submitters, no conflicts (2 of 4 stars). 4 submissions from 4 submitters: Likely benign (4). Last evaluated 2025-07-08.

Conditions:
Cardiovascular phenotype. Identifiers: MedGen CN230736.
Cardiomyopathy (CMYO). Also called: Cardiomyopathies. Identifiers: Orphanet 167848, MedGen C0878544, MONDO:0004994, HP:0001638. Inheritance: Various modes of inheritance.
Arrhythmogenic right ventricular dysplasia 5. Also called: Arrhythmogenic Right Ventricular Dysplasia/Cardiomyopathy 5; ARRHYTHMOGENIC RIGHT VENTRICULAR DYSPLASIA, FAMILIAL, 5. Identifiers: MedGen C1858379, MONDO:0011459, OMIM 604400.

Allele frequency attached by ClinVar (database versions not stated): gnomAD exomes below 0.00001; gnomAD 0.00001; TOPMed 0.00001.
gnomAD v4.1: 3 of 1,613,962 alleles (0.00019%); highest among the groups gnomAD compares: Non-Finnish European, 0.00025%; no homozygotes.

Submissions (4):

Color Diagnostics, LLC DBA Color Health
Classification: Likely benign for Cardiomyopathy. Last evaluated: 2025-07-08. Review status: criteria provided, single submitter. Criteria: ACMG Guidelines, 2015. Collection method: clinical testing. Allele origin: germline.

Labcorp Genetics (formerly Invitae), Labcorp
Classification: Likely benign for Arrhythmogenic right ventricular dysplasia 5. Last evaluated: 2023-10-03. Review status: criteria provided, single submitter. Criteria: Invitae Variant Classification Sherloc (09022015). Collection method: clinical testing. Allele origin: germline.

Ambry Genetics
Classification: Likely benign for Cardiovascular phenotype. Last evaluated: 2023-07-27. Review status: criteria provided, single submitter. Criteria: Ambry Variant Classification Scheme 2023. Collection method: clinical testing. Allele origin: germline.

Laboratory for Molecular Medicine, Mass General Brigham Personalized Medicine
Classification: Likely benign. Last evaluated: 2012-05-10. Review status: criteria provided, single submitter. Criteria: LMM Criteria. Collection method: clinical testing. Allele origin: germline. Observed: 1 variant allele.
Comment: Val17Val in exon 2 of TMEM43: This variant is not expected to have clinical sign ificance because it does not alter an amino acid residue and is not located with in the splice consensus sequence. Val17Val in exon 2 of TMEM43 (allele frequen cy = n/a) **

NM_024334.3(TMEM43):c.51T>G (p.Val17=)

Gene: TMEM43 (transmembrane protein 43; plus strand). Cytogenetic location: 3p25.1.
Variant type: single nucleotide variant.
Coding change: c.51T>G on transcript NM_024334.3 (MANE Select); coding-DNA position 51, T replaced by G.
Protein change: p.Val17=; no amino-acid change (valine 17 retained).
Molecular consequence: synonymous variant.
Genome position (GRCh38, 1-based): chr3:14,129,450, T>G. VCF-style: chr3-14129450-T-G. GRCh37 (hg19) VCF-style: chr3-14170950-T-G.
Identifiers: ClinVar variation 46145 (VCV000046145.11), dbSNP rs397517383, ClinGen allele CA024712.
Genomic context (GRCh38, chr3:14,129,450, plus strand): 5'-GTTACTGTTTCTTTTTCTTCAGTATTCCAGTACCAGTACCCGGAGAGAACATGTCAAAGT[T>G]AAAACCAGCTCCCAGCCAGGCTTCCTGGAACGGCTGAGCGAGACCTCGGGTGGGATGTTT-3'
Protein context (NP_077310.1, residues 7-27): STSTRREHVK[Val17=]KTSSQPGFLE